The following is an entry in ClinVar:

ClinVar aggregate classification (germline): Likely pathogenic (1 of 4 stars; one submission).

Submission:

Dasa
Classification: Likely pathogenic. Last evaluated: 2025-03-12. Review status: criteria provided, single submitter. Criteria: DASA Assertion Criteria. Collection method: clinical testing. Allele origin: germline.
Comment: NM_005559.4(LAMA1):c.6861T>A (p.Tyr2287*) is a nonsense variant in LAMA1 predicted to introduce a premature termination codon and is predicted to result in an absent or altered protein product. Loss of function is an established disease mechanism for LAMA1-associated disorders. Also, this variant is absent from population databases. Based on the currently available evidence, this variant is classified as likely pathogenic.

NM_005559.4(LAMA1):c.6861T>A (p.Tyr2287Ter)

Gene: LAMA1 (laminin subunit alpha 1; minus strand). Cytogenetic location: 18p11.31.
Variant type: single nucleotide variant.
Coding change: c.6861T>A on transcript NM_005559.4 (MANE Select); coding-DNA position 6861, T replaced by A.
Protein change: p.Tyr2287Ter; replaces tyrosine 2287 with a stop codon.
Molecular consequence: nonsense.
Genome position (GRCh38, 1-based): chr18:6,971,895, A>T on the plus strand (T>A on the coding strand, the complement: LAMA1 is on the minus strand). VCF-style: chr18-6971895-A-T. GRCh37 (hg19) VCF-style: chr18-6971894-A-T.
Other names: short protein forms Y2287*.
Identifiers: ClinVar variation 4884196 (VCV004884196.2).
Genomic context (GRCh38, chr18:6,971,895, plus strand): 5'-CTAAACCGTGACGACATCTTACCTTCCGAAGCACCCACGGCACTTGCCTTCCCTTTCAAT[A>T]TAGTTCCATAGGCCTATGGATTTTCCATTCAGGAAGGCCTCCCCCAAGCAGCCTTTAAAA-3'